The following is an entry in ClinVar:

ClinVar aggregate classification (germline): Uncertain significance (1 of 4 stars; one submission).

Allele frequency attached by ClinVar (database versions not stated): gnomAD 0.00001; TOPMed below 0.00001.
gnomAD v4.1: 4 of 1,461,120 alleles (0.00027%); highest among the groups gnomAD compares: Admixed American, 0.005%; no homozygotes.

Submission:

GeneDx
Classification: Uncertain significance. Last evaluated: 2022-09-29. Review status: criteria provided, single submitter. Criteria: GeneDx Variant Classification Process June 2021. Collection method: clinical testing. Allele origin: germline. Affected: yes.
Comment: Not observed at significant frequency in large population cohorts (gnomAD); In silico analysis supports that this missense variant does not alter protein structure/function; Has not been previously published as pathogenic or benign to our knowledge

NM_003801.4(GPAA1):c.7C>G (p.Leu3Val)

Genes: GPAA1 (glycosylphosphatidylinositol anchor attachment 1; plus strand), LOC130001364 (ATAC-STARR-seq lymphoblastoid silent region 19654; plus strand). Cytogenetic location: 8q24.3.
Variant type: single nucleotide variant.
Coding change: c.7C>G on transcript NM_003801.4 (MANE Select); coding-DNA position 7, C replaced by G.
Protein change: p.Leu3Val; replaces leucine 3 with valine.
Molecular consequence: missense variant.
Genome position (GRCh38, 1-based): chr8:144,082,737, C>G. VCF-style: chr8-144082737-C-G. GRCh37 (hg19) VCF-style: chr8-145137640-C-G.
Other names: short protein forms L3V.
Identifiers: ClinVar variation 2446514 (VCV002446514.1), dbSNP rs1835929028, ClinGen allele CA372597205.